The following is an entry in ClinVar:

NM_006415.4(SPTLC1):c.1216G>A (p.Glu406Lys)

Gene: SPTLC1 (serine palmitoyltransferase long chain base subunit 1; minus strand). Cytogenetic location: 9q22.31.
Variant type: single nucleotide variant.
Coding change: c.1216G>A on transcript NM_006415.4 (MANE Select); coding-DNA position 1216, G replaced by A.
Protein change: p.Glu406Lys; replaces glutamic acid 406 with lysine.
Molecular consequence: missense variant.
Genome position (GRCh38, 1-based): chr9:92,038,286, C>T on the plus strand (G>A on the coding strand, the complement: SPTLC1 is on the minus strand). VCF-style: chr9-92038286-C-T. GRCh37 (hg19) VCF-style: chr9-94800568-C-T.
Other names: c.1216G>A, p.Glu406Lys (NM_001281303.2); c.850G>A, p.Glu284Lys (NM_001368272.1); c.751G>A, p.Glu251Lys (NM_001368273.1); short protein forms E251K, E284K, E406K.
Identifiers: ClinVar variation 1016208 (VCV001016208.8), dbSNP rs750753414, ClinGen allele CA5121278.

ClinVar aggregate classification (germline): Uncertain significance (1 of 4 stars; one submission).

Conditions:
Hereditary sensory and autonomic neuropathy type 1 (HSAN1). Also called: HSAN 1; HSN Type I; Hereditary Sensory Neuropathy Type I. Identifiers: Orphanet 36386, MedGen C0020071, MONDO:0018213.

Allele frequency attached by ClinVar (database versions not stated): ExAC 0.00002; gnomAD exomes 0.00001 and 0.00002.
gnomAD v4.1: 8 of 1,614,112 alleles (0.0005%); highest among the groups gnomAD compares: East Asian, 0.0045%; no homozygotes.

Submission:

Labcorp Genetics (formerly Invitae), Labcorp
Classification: Uncertain significance for Hereditary sensory and autonomic neuropathy type 1. Last evaluated: 2022-02-04. Review status: criteria provided, single submitter. Criteria: Invitae Variant Classification Sherloc (09022015). Collection method: clinical testing. Allele origin: germline.
Comment: This sequence change replaces glutamic acid, which is acidic and polar, with lysine, which is basic and polar, at codon 406 of the SPTLC1 protein (p.Glu406Lys). This variant is present in population databases (rs750753414, gnomAD 0.01%). This variant has not been reported in the literature in individuals affected with SPTLC1-related conditions. ClinVar contains an entry for this variant (Variation ID: 1016208). Algorithms developed to predict the effect of missense changes on protein structure and function (SIFT, PolyPhen-2, Align-GVGD) all suggest that this variant is likely to be tolerated. In summary, the available evidence is currently insufficient to determine the role of this variant in disease. Therefore, it has been classified as a Variant of Uncertain Significance.